The following is an entry in ClinVar:

ClinVar aggregate classification (germline): Pathogenic (1 of 4 stars; one submission).

Conditions:
Duchenne muscular dystrophy (DMD). Also called: MUSCULAR DYSTROPHY, PSEUDOHYPERTROPHIC PROGRESSIVE, DUCHENNE TYPE; Duchenne Muscular Dystrophy (DMD). Identifiers: Orphanet 98896, MedGen C0013264, MONDO:0010679, OMIM 310200.

Submission:

Labcorp Genetics (formerly Invitae), Labcorp
Classification: Pathogenic for Duchenne muscular dystrophy. Last evaluated: 2017-09-28. Review status: criteria provided, single submitter. Criteria: Invitae Variant Classification Sherloc (09022015). Collection method: clinical testing. Allele origin: germline.
Comment: This variant is an out-of-frame deletion of the genomic region encompassing exons 5-7 of the DMD gene. This creates a premature translational stop signal and is expected to result in an absent or disrupted protein product. This deletion has been reported in several individuals affected with Duchenne or Becker muscular dystrophy (DMD/BMD) (PMID: 11409318, 25482253). Loss-of-function variants in DMD are known to be pathogenic (PMID: 16770791, 25007885). For these reasons, this variant has been classified as Pathogenic.

Literature cited by the submitters: PubMed 25482253; PubMed 11409318.

NC_000023.11:g.(?_32809473)_(32823850_?)del

Gene: DMD (dystrophin; minus strand). Cytogenetic location: Xp21.1.
Variant type: Deletion.
Identifiers: ClinVar variation 455843 (VCV000455843.1).